The following is an entry in ClinVar:

NM_001267550.2(TTN):c.22080T>C (p.Asp7360=)

Gene: TTN (titin; minus strand). Cytogenetic location: 2q31.2.
Variant type: single nucleotide variant.
Coding change: c.22080T>C on transcript NM_001267550.2 (MANE Select); coding-DNA position 22080, T replaced by C.
Protein change: p.Asp7360=; no amino-acid change (aspartic acid 7360 retained).
Molecular consequence: synonymous variant. On other transcripts: intron variant (3).
Genome position (GRCh38, 1-based): chr2:178,722,819, A>G on the plus strand (T>C on the coding strand, the complement: TTN is on the minus strand). VCF-style: chr2-178722819-A-G. GRCh37 (hg19) VCF-style: chr2-179587546-A-G.
Other names: p.D6116D:GAT>GAC; p.Asp6116=; c.21129T>C, p.Asp7043= (NM_001256850.1); c.18348T>C, p.Asp6116= (NM_133378.4); c.13282+15263T>C (NM_003319.4); c.13858+15263T>C (NM_133437.4); c.13657+15263T>C (NM_133432.3).
Identifiers: ClinVar variation 46695 (VCV000046695.34), dbSNP rs16866473, ClinGen allele CA282820.

ClinVar aggregate classification (germline): Benign. Review status: criteria provided, multiple submitters, no conflicts (2 of 4 stars). 22 submissions from 15 submitters: Benign (19). 3 of the submissions do not count toward it. Last evaluated 2026-03-27.

Conditions:
Cardiovascular phenotype. Identifiers: MedGen CN230736.
Dilated cardiomyopathy 1G (CMD1G). Identifiers: Orphanet 154, MedGen C1858763, MONDO:0011400, OMIM 604145.
Autosomal recessive limb-girdle muscular dystrophy type 2J (LGMDR10). Also called: MUSCULAR DYSTROPHY, LIMB-GIRDLE, AUTOSOMAL RECESSIVE 10; Limb-girdle muscular dystrophy, type 2J. Identifiers: Orphanet 140922, MedGen C1837342, MONDO:0012127, OMIM 608807.
Early-onset myopathy with fatal cardiomyopathy (CMYO5). Also called: CONGENITAL MYOPATHY 5 WITH CARDIOMYOPATHY; Salih Myopathy. Identifiers: Orphanet 289377, MedGen C2673677, MONDO:0012714, OMIM 611705. Disease mechanism: loss of function.
Tibial muscular dystrophy (TMD). Also called: Udd Distal Myopathy – Tibial Muscular Dystrophy; Tibial muscular dystrophy, tardive; UDD MYOPATHY. Identifiers: Orphanet 609, MedGen C1838244, MONDO:0010870, OMIM 600334.
Myopathy, myofibrillar, 9, with early respiratory failure (MFM9). Also called: Myopathy, distal, with early respiratory failure, autosomal dominant; Hereditary myopathy with early respiratory failure; MYOPATHY, PROXIMAL, WITH EARLY RESPIRATORY MUSCLE INVOLVEMENT; EDSTROM MYOPATHY. Identifiers: Orphanet 178464, Orphanet 34521, MedGen C1863599, MONDO:0011362, OMIM 603689.

Allele frequency attached by ClinVar (database versions not stated): gnomAD exomes 0.04219 and 0.07484; ESP Exome Variant Server 0.04337; 1000 Genomes Project 30x 0.09369; ExAC 0.07060; 1000 Genomes Project 0.09405; gnomAD 0.06213 and 0.05854; TOPMed 0.06505.
gnomAD v4.1: 71,404 of 1,613,126 alleles (4.4%); highest among the groups gnomAD compares: Admixed American, 17%; 3,439 homozygotes.

Submissions (22):

Molecular Diagnostic Laboratory for Inherited Cardiovascular Disease, Montreal Heart Institute
Classification: Benign. Last evaluated: 2026-03-27. Review status: criteria provided, single submitter. Criteria: ACMG Guidelines, 2015. Collection method: clinical testing. Allele origin: germline. Affected: no.

Labcorp Genetics (formerly Invitae), Labcorp
Classification: Benign for Dilated cardiomyopathy 1G; Autosomal recessive limb-girdle muscular dystrophy type 2J. Last evaluated: 2026-02-04. Review status: criteria provided, single submitter. Criteria: Invitae Variant Classification Sherloc (09022015). Collection method: clinical testing. Allele origin: germline.

Genome-Nilou Lab
Classification: Benign for Autosomal recessive limb-girdle muscular dystrophy type 2J. Last evaluated: 2021-09-10. Review status: criteria provided, single submitter. Criteria: ACMG Guidelines, 2015. Collection method: clinical testing. Allele origin: germline. Affected: no.

Genome-Nilou Lab
Classification: Benign for Myopathy, myofibrillar, 9, with early respiratory failure. Last evaluated: 2021-09-10. Review status: criteria provided, single submitter. Criteria: ACMG Guidelines, 2015. Collection method: clinical testing. Allele origin: germline. Affected: no.

Genome-Nilou Lab
Classification: Benign for Early-onset myopathy with fatal cardiomyopathy. Last evaluated: 2021-09-10. Review status: criteria provided, single submitter. Criteria: ACMG Guidelines, 2015. Collection method: clinical testing. Allele origin: germline. Affected: no.

Genome-Nilou Lab
Classification: Benign for Tibial muscular dystrophy. Last evaluated: 2021-09-10. Review status: criteria provided, single submitter. Criteria: ACMG Guidelines, 2015. Collection method: clinical testing. Allele origin: germline. Affected: no.

Women's Health and Genetics/Laboratory Corporation of America, LabCorp
Classification: Benign. Last evaluated: 2019-08-16. Review status: criteria provided, single submitter. Criteria: LabCorp Variant Classification Summary - May 2015. Collection method: clinical testing. Allele origin: germline.

Athena Diagnostics
Classification: Benign. Last evaluated: 2018-06-18. Review status: criteria provided, single submitter. Criteria: Athena Diagnostics Criteria. Collection method: clinical testing. Allele origin: germline.

Illumina Laboratory Services, Illumina
Classification: Benign for Autosomal recessive limb-girdle muscular dystrophy type 2J. Last evaluated: 2018-01-13. Review status: criteria provided, single submitter. Criteria: ICSL Variant Classification Criteria 13 December 2019. Collection method: clinical testing. Allele origin: germline.
Comment: This variant was observed in the ICSL laboratory as part of a predisposition screen in an ostensibly healthy population. It had not been previously curated by ICSL or reported in the Human Gene Mutation Database (HGMD: prior to June 1st, 2018), and was therefore a candidate for classification through an automated scoring system. Utilizing variant allele frequency, disease prevalence and penetrance estimates, and inheritance mode, an automated score was calculated to assess if this variant is too frequent to cause the disease. Based on the score and internal cut-off values, a variant classified as benign is not then subjected to further curation. The score for this variant resulted in a classification of benign for this disease.

Illumina Laboratory Services, Illumina
Classification: Benign for Tibial muscular dystrophy. Last evaluated: 2018-01-13. Review status: criteria provided, single submitter. Criteria: ICSL Variant Classification Criteria 13 December 2019. Collection method: clinical testing. Allele origin: germline.
Comment: the same text as in the submission from Illumina Laboratory Services, Illumina above.

Illumina Laboratory Services, Illumina
Classification: Benign for Dilated cardiomyopathy 1G. Last evaluated: 2018-01-13. Review status: criteria provided, single submitter. Criteria: ICSL Variant Classification Criteria 13 December 2019. Collection method: clinical testing. Allele origin: germline.
Comment: the same text as in the submission from Illumina Laboratory Services, Illumina above.

Illumina Laboratory Services, Illumina
Classification: Benign for Early-onset myopathy with fatal cardiomyopathy. Last evaluated: 2018-01-13. Review status: criteria provided, single submitter. Criteria: ICSL Variant Classification Criteria 13 December 2019. Collection method: clinical testing. Allele origin: germline.
Comment: the same text as in the submission from Illumina Laboratory Services, Illumina above.

Illumina Laboratory Services, Illumina
Classification: Benign for Myopathy, myofibrillar, 9, with early respiratory failure. Last evaluated: 2018-01-13. Review status: criteria provided, single submitter. Criteria: ICSL Variant Classification Criteria 13 December 2019. Collection method: clinical testing. Allele origin: germline.
Comment: the same text as in the submission from Illumina Laboratory Services, Illumina above.

Mayo Clinic Laboratories, Mayo Clinic
Classification: Benign. Last evaluated: 2017-08-24. Review status: criteria provided, single submitter. Criteria: ACMG Guidelines, 2015. Collection method: clinical testing. Allele origin: germline. Observed: 232 variant alleles.

GeneDx
Classification: Benign. Last evaluated: 2013-04-29. Review status: criteria provided, single submitter. Criteria: GeneDx Variant Classification (06012015). Collection method: clinical testing. Allele origin: germline. Affected: yes.
Comment: This variant is considered likely benign or benign based on one or more of the following criteria: it is a conservative change, it occurs at a poorly conserved position in the protein, it is predicted to be benign by multiple in silico algorithms, and/or has population frequency not consistent with disease.

Ambry Genetics
Classification: Benign for Cardiovascular phenotype. Last evaluated: 2013-01-16. Review status: criteria provided, single submitter. Criteria: Ambry Autosomal Dominant and X-Linked criteria (10/2015). Collection method: clinical testing. Allele origin: germline. Observed: 1 variant allele.

Laboratory for Molecular Medicine, Mass General Brigham Personalized Medicine
Classification: Benign. Last evaluated: 2011-09-27. Review status: criteria provided, single submitter. Criteria: LMM Criteria. Collection method: clinical testing. Allele origin: germline. Observed: 195 variant alleles.

Breakthrough Genomics
Classification: Benign. Review status: criteria provided, single submitter. Criteria: ACMG Guidelines, 2015. Collection method: not provided. Allele origin: germline. Inheritance: Autosomal recessive inheritance. Affected: yes.

PreventionGenetics, part of Exact Sciences
Classification: Benign. Review status: criteria provided, single submitter. Criteria: ACMG Guidelines, 2015. Collection method: clinical testing. Allele origin: germline.

Clinical Genetics DNA and cytogenetics Diagnostics Lab, Erasmus MC, Erasmus Medical Center
Classification: Benign. Review status: no assertion criteria provided. Collection method: clinical testing. Allele origin: germline. Affected: yes. Study: VKGL Data-share Consensus. Not counted in ClinVar's aggregate classification.

Clinical Genetics, Academic Medical Center
Classification: Benign. Review status: no assertion criteria provided. Collection method: clinical testing. Allele origin: germline. Affected: yes. Study: VKGL Data-share Consensus. Not counted in ClinVar's aggregate classification.

Genetic Services Laboratory, University of Chicago
Classification: Likely benign for AllHighlyPenetrant. Review status: no assertion criteria provided. Collection method: clinical testing. Allele origin: germline. Not counted in ClinVar's aggregate classification.
Comment: Likely benign based on allele frequency in 1000 Genomes Project or ESP global frequency and its presence in a patient with a rare or unrelated disease phenotype. NOT Sanger confirmed.